The following is an entry in ClinVar:

NM_007194.4(CHEK2):c.1259+2T>C

Gene: CHEK2 (checkpoint kinase 2; minus strand). Cytogenetic location: 22q12.1.
Variant type: single nucleotide variant.
Coding change: c.1259+2T>C on transcript NM_007194.4 (MANE Select); the canonical splice donor site of the intron after coding-DNA position 1259, T replaced by C.
Molecular consequence: splice donor variant.
Genome position (GRCh38, 1-based): chr22:28,695,708, A>G on the plus strand (T>C on the coding strand, the complement: CHEK2 is on the minus strand). VCF-style: chr22-28695708-A-G. GRCh37 (hg19) VCF-style: chr22-29091696-A-G.
Other names: c.596+2T>C (NM_001437942.1, NM_001257387.3); c.1058+2T>C (NM_001349956.3); c.1172+2T>C (NM_145862.3); c.1265+2T>C (NM_001438295.1); c.1352+2T>C (NM_001438293.1); c.1301+2T>C (NM_001438294.1); c.1388+2T>C (NM_001005735.3).
Identifiers: ClinVar variation 530142 (VCV000530142.11), dbSNP rs1555913631, ClinGen allele CA411096471.
Genomic context (GRCh38, chr22:28,695,708, plus strand): 5'-ACATTTGTGACTTCATCTAATCACCTCCTACCAGTCTGTGCAGCAATGAAAATATTTCTT[A>G]CCAGATAAAAAGAATAACTCCTAAACTCCAGCAGTCCACAGCACGGTTATACCCAGCAGT-3'

ClinVar aggregate classification (germline): Conflicting classifications of pathogenicity. Review status: criteria provided, conflicting classifications (1 of 4 stars). 2 submissions from 2 submitters: Likely pathogenic (1); Uncertain significance (1). Last evaluated 2025-09-04.

Conditions:
Hereditary cancer-predisposing syndrome. Also called: Hereditary neoplastic syndrome; Neoplastic Syndromes, Hereditary; Hereditary Cancer Syndrome; Tumor predisposition. Identifiers: Orphanet 140162, MedGen C0027672, MeSH D009386, MONDO:0015356.
Familial cancer of breast. Also called: BREAST CANCER, FAMILIAL; Hereditary breast cancer; hereditary breast carcinoma. Identifiers: Orphanet 227535, MedGen C0346153, MONDO:0016419, OMIM 114480. Disease mechanism: loss of function.

Allele frequency attached by ClinVar (database versions not stated): gnomAD exomes below 0.00001.
gnomAD v4.1: 4 of 1,612,462 alleles (0.00025%); highest among the groups gnomAD compares: Non-Finnish European, 0.00034%; no homozygotes.

Submissions (2):

Ambry Genetics
Classification: Uncertain significance for Hereditary cancer-predisposing syndrome. Last evaluated: 2025-09-04. Review status: criteria provided, single submitter. Criteria: Ambry Variant Classification Scheme 2023. Collection method: clinical testing. Allele origin: germline.
Comment: The c.1259+2T>C intronic variant results from a T to C substitution two nucleotides after coding exon 10 in the CHEK2 gene. This nucleotide position is highly conserved in available vertebrate species. In silico splice site analysis predicts that this alteration will weaken the native splice donor site. Alterations that disrupt the canonical splice site are expected to cause aberrant splicing, resulting in an abnormal protein or a transcript that is subject to nonsense-mediated mRNA decay; however, +2T>C alterations are capable of generating wild-type transcripts in some genomic contexts and should be interpreted with caution (Lin JH et al. Hum Mutat. 2019 10;40:1856-1873). Based on the available evidence, the clinical significance of this alteration remains unclear.

Labcorp Genetics (formerly Invitae), Labcorp
Classification: Likely pathogenic for Familial cancer of breast. Last evaluated: 2023-12-13. Review status: criteria provided, single submitter. Criteria: Invitae Variant Classification Sherloc (09022015). Collection method: clinical testing. Allele origin: germline.
Comment: This sequence change affects a donor splice site in intron 11 of the CHEK2 gene. RNA analysis indicates that disruption of this splice site induces altered splicing and may result in an absent or disrupted protein product. This variant is not present in population databases (gnomAD no frequency). This variant has not been reported in the literature in individuals affected with CHEK2-related conditions. ClinVar contains an entry for this variant (Variation ID: 530142). Studies have shown that disruption of this splice site results in skipping of exon 11(aka. exon 10) and introduces a premature termination codon (PMID: 26506619). The resulting mRNA is expected to undergo nonsense-mediated decay. In summary, the currently available evidence indicates that the variant is pathogenic, but additional data are needed to prove that conclusively. Therefore, this variant has been classified as Likely Pathogenic.

Literature cited by the submitters: PubMed 26506619 (cited by Labcorp Genetics (formerly Invitae), Labcorp).